The following is an entry in ClinVar:

NM_014975.3(MAST1):c.2374T>C (p.Leu792=)

Genes: MAST1 (microtubule associated serine/threonine kinase 1; plus strand), LOC112543452 (Sharpr-MPRA regulatory region 6054; plus strand). Cytogenetic location: 19p13.13.
Variant type: single nucleotide variant.
Coding change: c.2374T>C on transcript NM_014975.3 (MANE Select); coding-DNA position 2374, T replaced by C.
Protein change: p.Leu792=; no amino-acid change (leucine 792 retained).
Molecular consequence: synonymous variant.
Genome position (GRCh38, 1-based): chr19:12,867,785, T>C. VCF-style: chr19-12867785-T-C. GRCh37 (hg19) VCF-style: chr19-12978599-T-C.
Identifiers: ClinVar variation 2042246 (VCV002042246.10), dbSNP rs756146306, ClinGen allele CA9233132.
Genomic context (GRCh38, chr19:12,867,785, plus strand): 5'-TGCAGCAAGCGATTCTCCGCGTCCGAGGCCAGTTTCCTGGAGGGAGAGGCCAGTCCCCCT[T>C]TGGGCGCCCGCCGCCGTTTCTCGGCGCTGCTGGAGCCCAGCCGCTTCAGCGCCCCCCAAG-3'
Protein context (NP_055790.1, residues 782-802): SFLEGEASPP[Leu792=]GARRRFSALL

ClinVar aggregate classification (germline): Likely benign. Review status: criteria provided, multiple submitters, no conflicts (2 of 4 stars). 2 submissions from 2 submitters: Likely benign (2). Last evaluated 2025-10-01.

Allele frequency attached by ClinVar (database versions not stated): gnomAD exomes 0.00005; ExAC 0.00007; TOPMed 0.00007; gnomAD 0.00008; 1000 Genomes Project 30x 0.00016.
gnomAD v4.1: 105 of 1,563,064 alleles (0.0067%); highest among the groups gnomAD compares: East Asian, 0.16%; no homozygotes.

Submissions (2):

CeGaT Center for Human Genetics Tuebingen
Classification: Likely benign. Last evaluated: 2025-10-01. Review status: criteria provided, single submitter. Criteria: CeGaT Center For Human Genetics Tuebingen Variant Classification Criteria Version 2. Collection method: clinical testing. Allele origin: germline. Affected: yes. Observed: 1 variant allele.
Comment: MAST1: BP4, BP7

Labcorp Genetics (formerly Invitae), Labcorp
Classification: Likely benign. Last evaluated: 2025-03-07. Review status: criteria provided, single submitter. Criteria: Invitae Variant Classification Sherloc (09022015). Collection method: clinical testing. Allele origin: germline.